The following is an entry in ClinVar:

NM_020884.7(MYH7B):c.5077G>C (p.Glu1693Gln)

Gene: MYH7B (myosin heavy chain 7B; plus strand). Cytogenetic location: 20q11.22.
Variant type: single nucleotide variant.
Coding change: c.5077G>C on transcript NM_020884.7 (MANE Select); coding-DNA position 5077, G replaced by C.
Protein change: p.Glu1693Gln; replaces glutamic acid 1693 with glutamine.
Molecular consequence: missense variant.
Genome position (GRCh38, 1-based): chr20:35,000,588, G>C. VCF-style: chr20-35000588-G-C. GRCh37 (hg19) VCF-style: chr20-33588391-G-C.
Other names: short protein forms E1693Q.
Identifiers: ClinVar variation 4744299 (VCV004744299.1).

ClinVar aggregate classification (germline): Uncertain significance (1 of 4 stars; one submission).

Submission:

Labcorp Genetics (formerly Invitae), Labcorp
Classification: Uncertain significance. Last evaluated: 2025-10-08. Review status: criteria provided, single submitter. Criteria: Invitae Variant Classification Sherloc (09022015). Collection method: clinical testing. Allele origin: germline.
Comment: This sequence change replaces glutamic acid, which is acidic and polar, with glutamine, which is neutral and polar, at codon 1735 of the MYH7B protein (p.Glu1735Gln). This variant is not present in population databases (gnomAD no frequency). This variant has not been reported in the literature in individuals affected with MYH7B-related conditions. Invitae Evidence Modeling of protein sequence and biophysical properties (such as structural, functional, and spatial information, amino acid conservation, physicochemical variation, residue mobility, and thermodynamic stability) indicates that this missense variant is not expected to disrupt MYH7B protein function with a negative predictive value of 80%. In summary, the available evidence is currently insufficient to determine the role of this variant in disease. Therefore, it has been classified as a Variant of Uncertain Significance.